The following is an entry in ClinVar:

ClinVar aggregate classification (germline): Likely pathogenic (1 of 4 stars; one submission).

Conditions:
Intellectual disability-facial dysmorphism syndrome due to SETD5 haploinsufficiency (MRD23). Also called: Intellectual developmental disorder, autosomal dominant 23. Identifiers: Orphanet 404440, MedGen C3810406, MONDO:0014336, OMIM 615761.

Submission:

3billion
Classification: Likely pathogenic for Intellectual disability-facial dysmorphism syndrome due to SETD5 haploinsufficiency. Last evaluated: 2024-03-06. Review status: criteria provided, single submitter. Criteria: ACMG Guidelines, 2015. Collection method: clinical testing. Allele origin: germline. Affected: yes.
Comment: The variant is not observed in the gnomAD v2.1.1 dataset. Predicted Consequence/Location: Frameshift: predicted to result in a loss or disruption of normal protein function through nonsense-mediated decay (NMD) or protein truncation. Multiple pathogenic variants are reported downstream of the variant. Therefore, this variant is classified as Likely pathogenic according to the recommendation of ACMG/AMP guideline.

NM_001080517.3(SETD5):c.2960_2967del (p.Tyr987fs)

Gene: SETD5 (SET domain containing 5; plus strand). Cytogenetic location: 3p25.3.
Variant type: Deletion.
Coding change: c.2960_2967del on transcript NM_001080517.3 (MANE Select); coding-DNA positions 2960 to 2967, 8 bases deleted (ACTCCCCT; older notation c.2960_2967delACTCCCCT).
Protein change: p.Tyr987fs; shifts the reading frame from tyrosine 987.
Molecular consequence: frameshift variant.
Genome position (GRCh38, 1-based): chr3:9,470,694-9,470,701, ACTCCCCT deleted; deleting any 8 consecutive bases within chr3:9,470,691-9,470,701 gives the same sequence; the c. name uses the placement nearest the transcript's 3' end. VCF-style (leftmost placement, unchanged base first): chr3-9470690-GCCTACTCC-G. GRCh37 (hg19) VCF-style: chr3-9512374-GCCTACTCC-G.
Other names: c.2666_2673del, p.Tyr889fs (NM_001292043.2, NM_001349451.2); short protein forms Y889fs, Y987fs.
Identifiers: ClinVar variation 3776256 (VCV003776256.1).